The following is an entry in ClinVar:

NM_032043.3(BRIP1):c.3411_3412delinsCC (p.Asp1138His)

Gene: BRIP1 (BRCA1 interacting DNA helicase 1; minus strand). Cytogenetic location: 17q23.2.
Variant type: Indel.
Coding change: c.3411_3412delinsCC on transcript NM_032043.3 (MANE Select); coding-DNA positions 3411 to 3412, TG replaced by CC.
Protein change: p.Asp1138His; replaces aspartic acid 1138 with histidine.
Molecular consequence: missense variant.
Genome position (GRCh38, 1-based): chr17:61,683,634-61,683,635, CA replaced by GG on the plus strand (TG replaced by CC on the coding strand, the reverse complement: BRIP1 is on the minus strand). VCF-style: chr17-61683634-CA-GG. GRCh37 (hg19) VCF-style: chr17-59760995-CA-GG.
Other names: c.3411_3412delTGinsCC (NM_032043.2); short protein forms D1138H.
Identifiers: ClinVar variation 461151 (VCV000461151.9), dbSNP rs1555572620, ClinGen allele CA658658649.
Genomic context (GRCh38, chr17:61,683,634, plus strand): 5'-ATCTATTTCCTCTATCAGTTTCAGCTAGGTCATTTTTTTCTTCATCTGTATCTTCAGGAT[CA>GG]TAAAGTTCAGGTGTAAAATAGATAGATTCATCTTCTGCTTCTGTTTCAAAATCTCTATTT-3'
Protein context (NP_114432.2, residues 1128-1148): ESIYFTPELY[Asp1138His]PEDTDEEKND

ClinVar aggregate classification (germline): Uncertain significance (1 of 4 stars; one submission).

Conditions:
Fanconi anemia complementation group J. Also called: BRIP1-Related Fanconi Anemia. Identifiers: Orphanet 84, MedGen C1836860, MONDO:0012187, OMIM 609054.
Familial cancer of breast. Also called: BREAST CANCER, FAMILIAL; hereditary breast carcinoma; Hereditary breast cancer. Identifiers: Orphanet 227535, MedGen C0346153, MONDO:0016419, OMIM 114480. Disease mechanism: loss of function.

Submission:

Labcorp Genetics (formerly Invitae), Labcorp
Classification: Uncertain significance for Familial cancer of breast; Fanconi anemia complementation group J. Last evaluated: 2025-09-05. Review status: criteria provided, single submitter. Criteria: Invitae Variant Classification Sherloc (09022015). Collection method: clinical testing. Allele origin: germline.
Comment: This sequence change replaces aspartic acid, which is acidic and polar, with histidine, which is basic and polar, at codon 1138 of the BRIP1 protein (p.Asp1138His). Information on the frequency of this variant in the gnomAD database is not available, as this variant may be reported differently in the database. This variant has not been reported in the literature in individuals affected with BRIP1-related conditions. ClinVar contains an entry for this variant (Variation ID: 461151). Experimental studies and prediction algorithms are not available or were not evaluated, and the functional significance of this variant is currently unknown. In summary, the available evidence is currently insufficient to determine the role of this variant in disease. Therefore, it has been classified as a Variant of Uncertain Significance.